The following is an entry in ClinVar:

ClinVar aggregate classification (germline): Pathogenic (1 of 4 stars; one submission).

Conditions:
Arterial tortuosity syndrome (ATORS). Identifiers: Orphanet 3342, MedGen C1859726, MONDO:0008818, OMIM 208050.

Submission:

Labcorp Genetics (formerly Invitae), Labcorp
Classification: Pathogenic for Arterial tortuosity syndrome. Last evaluated: 2025-03-16. Review status: criteria provided, single submitter. Criteria: Invitae Variant Classification Sherloc (09022015). Collection method: clinical testing. Allele origin: germline.
Comment: This sequence change creates a premature translational stop signal (p.Leu8Cysfs*13) in the SLC2A10 gene. It is expected to result in an absent or disrupted protein product. Loss-of-function variants in SLC2A10 are known to be pathogenic (PMID: 17935213, 22488877, 23494979). This variant is not present in population databases (gnomAD no frequency). This variant has not been reported in the literature in individuals affected with SLC2A10-related conditions. For these reasons, this variant has been classified as Pathogenic.

Literature cited by the submitters: PubMed 17935213; PubMed 22488877; PubMed 23494979.

NM_030777.4(SLC2A10):c.22del (p.Leu8fs)

Gene: SLC2A10 (solute carrier family 2 member 10; plus strand). Cytogenetic location: 20q13.12.
Variant type: Deletion.
Coding change: c.22del on transcript NM_030777.4 (MANE Select); coding-DNA position 22, one base deleted (C; older notation c.22delC).
Protein change: p.Leu8fs; shifts the reading frame from leucine 8.
Molecular consequence: frameshift variant.
Genome position (GRCh38, 1-based): chr20:46,725,058, C deleted; the last of 2 consecutive C bases (chr20:46,725,057-46,725,058); deleting either gives the same sequence. VCF-style (leftmost placement, unchanged base first): chr20-46725056-TC-T. GRCh37 (hg19) VCF-style: chr20-45353695-TC-T.
Other names: short protein forms L8fs.
Identifiers: ClinVar variation 3679463 (VCV003679463.2).
Genomic context (GRCh38, chr20:46,725,056, plus strand): 5'-ACAAGGAACCATTCTAACTCTGTCCCTCTCACTTTTGTTTTTTAGGCCACTCCCCACCTG[TC>T]CTGCCTTTGTGTGCCTCTGTGTCTTTGCTGGGTGGCCTGACCTTTGGTTATGAACTGGCA-3'